The following is an entry in ClinVar:

ClinVar aggregate classification (germline): Uncertain significance (1 of 4 stars; one submission).

Conditions:
Neuronopathy, distal hereditary motor, type 7B. Also called: NEURONOPATHY, DISTAL HEREDITARY MOTOR, AUTOSOMAL DOMINANT 14; NEURONOPATHY, DISTAL HEREDITARY MOTOR, HARDING TYPE VIIB; NEUROPATHY, DISTAL HEREDITARY MOTOR, HARDING TYPE VIIB; Distal Hereditary Motor Neuronopathy Type 7B (dHMN7B); NEUROPATHY, DISTAL HEREDITARY MOTOR, WITH VOCAL CORD PARALYSIS, HARDING TYPE VIIB; HMN VIIB. Identifiers: Orphanet 139589, MedGen C1843315, MONDO:0011879, OMIM 607641.
Amyotrophic lateral sclerosis type 1 (ALS1). Also called: AMYOTROPHIC LATERAL SCLEROSIS 1, FAMILIAL. Identifiers: Orphanet 803, MedGen C1862939, MONDO:0007103, OMIM 105400.
Perry syndrome. Also called: PARKINSONISM WITH ALVEOLAR HYPOVENTILATION AND MENTAL DEPRESSION. Identifiers: Orphanet 178509, MedGen C1868594, MONDO:0008201, OMIM 168605.

Allele frequency attached by ClinVar (database versions not stated): gnomAD exomes below 0.00001.
gnomAD v4.1: 1 of 1,614,082 alleles (0.000062%); highest among the groups gnomAD compares: Non-Finnish European, 0.000085%; no homozygotes.

Submission:

Labcorp Genetics (formerly Invitae), Labcorp
Classification: Uncertain significance for Amyotrophic lateral sclerosis type 1; Neuronopathy, distal hereditary motor, type 7B; Perry syndrome. Last evaluated: 2020-09-11. Review status: criteria provided, single submitter. Criteria: Invitae Variant Classification Sherloc (09022015). Collection method: clinical testing. Allele origin: germline.
Comment: In summary, the available evidence is currently insufficient to determine the role of this variant in disease. Therefore, it has been classified as a Variant of Uncertain Significance. Algorithms developed to predict the effect of missense changes on protein structure and function (SIFT, PolyPhen-2, Align-GVGD) all suggest that this variant is likely to be disruptive, but these predictions have not been confirmed by published functional studies and their clinical significance is uncertain. This variant has not been reported in the literature in individuals with DCTN1-related conditions. This variant is not present in population databases (ExAC no frequency). This sequence change replaces lysine with asparagine at codon 393 of the DCTN1 protein (p.Lys393Asn). The lysine residue is highly conserved and there is a moderate physicochemical difference between lysine and asparagine.

NM_004082.5(DCTN1):c.1179G>C (p.Lys393Asn)

Gene: DCTN1 (dynactin subunit 1; minus strand). Cytogenetic location: 2p13.1.
Variant type: single nucleotide variant.
Coding change: c.1179G>C on transcript NM_004082.5 (MANE Select); coding-DNA position 1179, G replaced by C.
Protein change: p.Lys393Asn; replaces lysine 393 with asparagine.
Molecular consequence: missense variant. On other transcripts: non-coding transcript variant (1).
Genome position (GRCh38, 1-based): chr2:74,370,294, C>G on the plus strand (G>C on the coding strand, the complement: DCTN1 is on the minus strand). VCF-style: chr2-74370294-C-G. GRCh37 (hg19) VCF-style: chr2-74597421-C-G.
Other names: c.1119G>C, p.Lys373Asn (NM_001135040.3); c.777G>C, p.Lys259Asn (NM_001135041.3, NM_023019.4); c.1068G>C, p.Lys356Asn (NM_001190836.2); c.1158G>C, p.Lys386Asn (NM_001190837.2); c.1128G>C, p.Lys376Asn (NM_001378991.1); c.1110G>C, p.Lys370Asn (NM_001378992.1); short protein forms K259N, K356N, K370N, K373N, K376N, K386N, K393N.
Identifiers: ClinVar variation 1001699 (VCV001001699.9), dbSNP rs1674740605, ClinGen allele CA347361307.